The following is an entry in ClinVar:

NM_000388.4(CASR):c.2454G>A (p.Trp818Ter)

Gene: CASR (calcium sensing receptor; plus strand). Cytogenetic location: 3q21.1.
Variant type: single nucleotide variant.
Coding change: c.2454G>A on transcript NM_000388.4 (MANE Select); coding-DNA position 2454, G replaced by A.
Protein change: p.Trp818Ter; replaces tryptophan 818 with a stop codon.
Molecular consequence: nonsense.
Genome position (GRCh38, 1-based): chr3:122,284,408, G>A. VCF-style: chr3-122284408-G-A. GRCh37 (hg19) VCF-style: chr3-122003255-G-A.
Other names: c.2484G>A, p.Trp828Ter (NM_001178065.2); short protein forms W828*, W818*.
Identifiers: ClinVar variation 804665 (VCV000804665.2), dbSNP rs1576878011, ClinGen allele CA354159840.

ClinVar aggregate classification (germline): Pathogenic/Likely pathogenic. Review status: criteria provided, multiple submitters, no conflicts (2 of 4 stars). 2 submissions from 2 submitters: Pathogenic (1); Likely pathogenic (1). Last evaluated 2025-02-09.

Conditions:
Familial hypocalciuric hypercalcemia (FHH). Also called: Familial benign hypercalcemia. Identifiers: Orphanet 405, MedGen C1809471, MONDO:0018458.
Autosomal dominant hypocalcemia 1 (HYPOC1). Also called: HYPOCALCEMIA, FAMILIAL. Identifiers: MedGen C3715128, MONDO:0011013, OMIM 601198.

Submissions (2):

Labcorp Genetics (formerly Invitae), Labcorp
Classification: Pathogenic for Familial hypocalciuric hypercalcemia; Autosomal dominant hypocalcemia 1. Last evaluated: 2025-02-09. Review status: criteria provided, single submitter. Criteria: Invitae Variant Classification Sherloc (09022015). Collection method: clinical testing. Allele origin: germline.
Comment: This sequence change creates a premature translational stop signal (p.Trp818*) in the CASR gene. While this is not anticipated to result in nonsense mediated decay, it is expected to disrupt the last 261 amino acid(s) of the CASR protein. This variant is not present in population databases (gnomAD no frequency). This variant has not been reported in the literature in individuals affected with CASR-related conditions. ClinVar contains an entry for this variant (Variation ID: 804665). This variant disrupts a region of the CASR protein in which other variant(s) (p.Arg886Pro) have been determined to be pathogenic (PMID: 11807402, 17698911, 20798521). This suggests that this is a clinically significant region of the protein, and that variants that disrupt it are likely to be disease-causing. For these reasons, this variant has been classified as Pathogenic.

Athena Diagnostics
Classification: Likely pathogenic. Last evaluated: 2019-02-03. Review status: criteria provided, single submitter. Criteria: Athena Diagnostics Criteria. Collection method: clinical testing. Allele origin: germline.
Comment: The variant creates a premature nonsense codon, and is therefore predicted to significantly disrupt the protein structure. Not found in the total gnomAD dataset, and the data is high quality (0/251334 chr).

Literature cited by the submitters: PubMed 11807402 (cited by Labcorp Genetics (formerly Invitae), Labcorp); PubMed 17698911 (cited by Labcorp Genetics (formerly Invitae), Labcorp); PubMed 20798521 (cited by Labcorp Genetics (formerly Invitae), Labcorp).